The following is an entry in ClinVar:

ClinVar aggregate classification (germline): Uncertain significance (1 of 4 stars; one submission).

Conditions:
Ataxia-telangiectasia syndrome (AT). Also called: LOUIS-BAR SYNDROME; Cerebello-oculocutaneous telangiectasia; Immunodeficiency with ataxia telangiectasia; Ataxia telangiectasia (A-T); Ataxia-telangiectasia, complementation group D; AT, COMPLEMENTATION GROUP C. Identifiers: Orphanet 100, MedGen C0004135, MONDO:0008840, OMIM 208900.

Submission:

Labcorp Genetics (formerly Invitae), Labcorp
Classification: Uncertain significance for Ataxia-telangiectasia syndrome. Last evaluated: 2023-11-14. Review status: criteria provided, single submitter. Criteria: Invitae Variant Classification Sherloc (09022015). Collection method: clinical testing. Allele origin: germline.
Comment: This sequence change replaces glycine, which is neutral and non-polar, with glutamic acid, which is acidic and polar, at codon 2382 of the ATM protein (p.Gly2382Glu). This variant is not present in population databases (gnomAD no frequency). This variant has not been reported in the literature in individuals affected with ATM-related conditions. An algorithm developed to predict the effect of missense changes on protein structure and function (PolyPhen-2) suggests that this variant is likely to be tolerated. In summary, the available evidence is currently insufficient to determine the role of this variant in disease. Therefore, it has been classified as a Variant of Uncertain Significance.

NM_000051.4(ATM):c.7145G>A (p.Gly2382Glu)

Genes: ATM (ATM serine/threonine kinase; plus strand), C11orf65 (chromosome 11 open reading frame 65; minus strand). Cytogenetic location: 11q22.3.
Variant type: single nucleotide variant.
Coding change: c.7145G>A on transcript NM_000051.4 (MANE Select); coding-DNA position 7145, G replaced by A.
Protein change: p.Gly2382Glu; replaces glycine 2382 with glutamic acid.
Molecular consequence: missense variant. On other transcripts: intron variant (2).
Genome position (GRCh38, 1-based): chr11:108,329,076, G>A. VCF-style: chr11-108329076-G-A. GRCh37 (hg19) VCF-style: chr11-108199803-G-A.
Other names: c.7145G>A, p.Gly2382Glu (NM_001351834.2); c.641-20005C>T (NM_001330368.2); c.*38+6144C>T (NM_001351110.2); short protein forms G2382E.
Identifiers: ClinVar variation 2695740 (VCV002695740.3), dbSNP rs1060501639, ClinGen allele CA382559499.